The following is an entry in ClinVar:

NM_015932.6(POMP):c.329A>G (p.Glu110Gly)

Gene: POMP (proteasome maturation protein; plus strand). Cytogenetic location: 13q12.3.
Variant type: single nucleotide variant.
Coding change: c.329A>G on transcript NM_015932.6 (MANE Select); coding-DNA position 329, A replaced by G.
Protein change: p.Glu110Gly; replaces glutamic acid 110 with glycine.
Molecular consequence: missense variant.
Genome position (GRCh38, 1-based): chr13:28,672,403, A>G. VCF-style: chr13-28672403-A-G. GRCh37 (hg19) VCF-style: chr13-29246540-A-G.
Other names: short protein forms E110G.
Identifiers: ClinVar variation 3660526 (VCV003660526.2).

ClinVar aggregate classification (germline): Uncertain significance (1 of 4 stars; one submission).

Submission:

Labcorp Genetics (formerly Invitae), Labcorp
Classification: Uncertain significance. Last evaluated: 2024-07-31. Review status: criteria provided, single submitter. Criteria: Invitae Variant Classification Sherloc (09022015). Collection method: clinical testing. Allele origin: germline.
Comment: This sequence change replaces glutamic acid, which is acidic and polar, with glycine, which is neutral and non-polar, at codon 110 of the POMP protein (p.Glu110Gly). This variant is not present in population databases (gnomAD no frequency). This variant has not been reported in the literature in individuals affected with POMP-related conditions. An algorithm developed to predict the effect of missense changes on protein structure and function (PolyPhen-2) suggests that this variant is likely to be tolerated. In summary, the available evidence is currently insufficient to determine the role of this variant in disease. Therefore, it has been classified as a Variant of Uncertain Significance.